The following is an entry in ClinVar:

ClinVar aggregate classification (germline): Uncertain significance. Review status: criteria provided, multiple submitters, no conflicts (2 of 4 stars). 2 submissions from 2 submitters: Uncertain significance (2). Last evaluated 2024-06-19.

Conditions:
Cardiovascular phenotype. Identifiers: MedGen CN230736.
Short QT syndrome type 3. Identifiers: Orphanet 51083, MedGen C1865018, MONDO:0012314, OMIM 609622.
Andersen Tawil syndrome (LQT7). Also called: ANDERSEN CARDIODYSRHYTHMIC PERIODIC PARALYSIS; LONG QT SYNDROME 7; PERIODIC PARALYSIS, POTASSIUM-SENSITIVE CARDIODYSRHYTHMIC TYPE; Andersen Syndrome; Potassium-sensitive periodic paralysis, ventricular ectopy, and dysmorphic features. Identifiers: Orphanet 37553, MedGen C1563715, MONDO:0008222, OMIM 170390.

Allele frequency attached by ClinVar (database versions not stated): TOPMed below 0.00001; gnomAD 0.00001.
gnomAD v4.1: 2 of 1,614,110 alleles (0.00012%); highest among the groups gnomAD compares: Admixed American, 0.0017%; no homozygotes.

Submissions (2):

Labcorp Genetics (formerly Invitae), Labcorp
Classification: Uncertain significance for Short QT syndrome type 3; Andersen Tawil syndrome. Last evaluated: 2024-06-19. Review status: criteria provided, single submitter. Criteria: Invitae Variant Classification Sherloc (09022015). Collection method: clinical testing. Allele origin: germline.
Comment: This sequence change replaces glutamic acid, which is acidic and polar, with glutamine, which is neutral and polar, at codon 16 of the KCNJ2 protein (p.Glu16Gln). This variant is not present in population databases (gnomAD no frequency). This variant has not been reported in the literature in individuals affected with KCNJ2-related conditions. ClinVar contains an entry for this variant (Variation ID: 1742546). An algorithm developed to predict the effect of missense changes on protein structure and function (PolyPhen-2) suggests that this variant is likely to be disruptive. In summary, the available evidence is currently insufficient to determine the role of this variant in disease. Therefore, it has been classified as a Variant of Uncertain Significance.

Ambry Genetics
Classification: Uncertain significance for Cardiovascular phenotype. Last evaluated: 2020-12-11. Review status: criteria provided, single submitter. Criteria: Ambry Variant Classification Scheme 2023. Collection method: clinical testing. Allele origin: germline.
Comment: The p.E16Q variant (also known as c.46G>C), located in coding exon 1 of the KCNJ2 gene, results from a G to C substitution at nucleotide position 46. The glutamic acid at codon 16 is replaced by glutamine, an amino acid with highly similar properties. This amino acid position is highly conserved in available vertebrate species. In addition, the in silico prediction for this alteration is inconclusive. Since supporting evidence is limited at this time, the clinical significance of this alteration remains unclear.

NM_000891.3(KCNJ2):c.46G>C (p.Glu16Gln)

Gene: KCNJ2 (potassium inwardly rectifying channel subfamily J member 2; plus strand). Cytogenetic location: 17q24.3.
Variant type: single nucleotide variant.
Coding change: c.46G>C on transcript NM_000891.3 (MANE Select); coding-DNA position 46, G replaced by C.
Protein change: p.Glu16Gln; replaces glutamic acid 16 with glutamine.
Molecular consequence: missense variant.
Genome position (GRCh38, 1-based): chr17:70,175,085, G>C. VCF-style: chr17-70175085-G-C. GRCh37 (hg19) VCF-style: chr17-68171226-G-C.
Other names: short protein forms E16Q.
Identifiers: ClinVar variation 1742546 (VCV001742546.4), dbSNP rs1203915572, ClinGen allele CA400859737.